The following is an entry in ClinVar:

NM_001369.3(DNAH5):c.4349del (p.Gln1450fs)

Genes: DNAH5-AS1 (DNAH5 antisense RNA 1; plus strand), DNAH5 (dynein axonemal heavy chain 5; minus strand). Cytogenetic location: 5p15.2.
Variant type: Deletion.
Coding change: c.4349del on transcript NM_001369.3 (MANE Select); coding-DNA position 4349, one base deleted (A; older notation c.4349delA).
Protein change: p.Gln1450fs; shifts the reading frame from glutamine 1450.
Molecular consequence: frameshift variant.
Genome position (GRCh38, 1-based): chr5:13,865,674, T deleted on the plus strand (A on the coding strand, the reverse complement: DNAH5 is on the minus strand). VCF-style (leftmost placement, unchanged base first): chr5-13865673-CT-C. GRCh37 (hg19) VCF-style: chr5-13865782-CT-C.
Other names: short protein forms Q1450fs.
Identifiers: ClinVar variation 1726234 (VCV001726234.2), dbSNP rs2546982337, ClinGen allele CA2580072111.

ClinVar aggregate classification (germline): Likely pathogenic (1 of 4 stars; one submission).

Conditions:
Primary ciliary dyskinesia 3. Identifiers: Orphanet 244, MedGen C1837618, MONDO:0012085, OMIM 608644.

Submission:

Myriad Genetics, Inc.
Classification: Likely pathogenic for Primary ciliary dyskinesia 3. Last evaluated: 2022-05-29. Review status: criteria provided, single submitter. Criteria: Myriad Women's Health Autosomal Recessive and X-Linked Classification Criteria (2021). Collection method: clinical testing. Allele origin: unknown.
Comment: NM_001369.2(DNAH5):c.4349delA(Q1450Rfs*11) is expected to be pathogenic in the context of DNAH5-related primary ciliary dyskinesia. This variant is predicted to lead to an abnormal or absent protein product due to the creation of a premature termination codon in DNAH5, a gene where loss-of-function variants are known to be pathogenic. Please note: this variant was assessed in the context of healthy population screening.